The following is an entry in ClinVar:

NM_006393.3(NEBL):c.1560+1G>A

Gene: NEBL (nebulette; minus strand). Cytogenetic location: 10p12.31.
Variant type: single nucleotide variant.
Coding change: c.1560+1G>A on transcript NM_006393.3 (MANE Select); the canonical splice donor site of the intron after coding-DNA position 1560, G replaced by A.
Molecular consequence: splice donor variant. On other transcripts: intron variant (9).
Genome position (GRCh38, 1-based): chr10:20,831,472, C>T on the plus strand (G>A on the coding strand, the complement: NEBL is on the minus strand). VCF-style: chr10-20831472-C-T. GRCh37 (hg19) VCF-style: chr10-21120401-C-T.
Other names: c.250-18532G>A (NM_001377326.1, NM_001377327.1, NM_001377328.1); c.358-18532G>A (NM_213569.2, NM_001173484.2, NM_001377322.1); c.301-18532G>A (NM_001377324.1); c.292-18532G>A (NM_001377325.1); c.310-18532G>A (NM_001377323.1).
Identifiers: ClinVar variation 4753476 (VCV004753476.1).

ClinVar aggregate classification (germline): Uncertain significance (1 of 4 stars; one submission).

Conditions:
Primary dilated cardiomyopathy (DCM). Also called: Dilated Cardiomyopathy. Identifiers: Orphanet 217604, MedGen C0007193, MeSH D002311, MONDO:0005021, HP:0001644. Inheritance: Various modes of inheritance.

Submission:

Labcorp Genetics (formerly Invitae), Labcorp
Classification: Uncertain significance for Primary dilated cardiomyopathy. Last evaluated: 2025-09-15. Review status: criteria provided, single submitter. Criteria: Invitae Variant Classification Sherloc (09022015). Collection method: clinical testing. Allele origin: germline.
Comment: This sequence change affects a donor splice site in intron 15 of the NEBL gene. It is expected to disrupt RNA splicing. Variants that disrupt the donor or acceptor splice site typically lead to a loss of protein function (PMID: 16199547), however the current clinical and genetic evidence is not sufficient to establish whether loss-of-function variants in NEBL cause disease. This variant is not present in population databases (gnomAD no frequency). Disruption of this splice site has been observed in individual(s) with sudden infant death syndrome (PMID: 29544605). Algorithms developed to predict the effect of sequence changes on RNA splicing suggest that this variant may disrupt the consensus splice site. In summary, the available evidence is currently insufficient to determine the role of this variant in disease. Therefore, it has been classified as a Variant of Uncertain Significance.

Literature cited by the submitters: PubMed 16199547; PubMed 29544605.